The following is an entry in ClinVar:

NM_000180.4(GUCY2D):c.1073C>T (p.Ala358Val)

Gene: GUCY2D (guanylate cyclase 2D, retinal; plus strand). Cytogenetic location: 17p13.1.
Variant type: single nucleotide variant.
Coding change: c.1073C>T on transcript NM_000180.4 (MANE Select); coding-DNA position 1073, C replaced by T.
Protein change: p.Ala358Val; replaces alanine 358 with valine.
Molecular consequence: missense variant.
Genome position (GRCh38, 1-based): chr17:8,006,409, C>T. VCF-style: chr17-8006409-C-T. GRCh37 (hg19) VCF-style: chr17-7909727-C-T.
Other names: short protein forms A358V.
Identifiers: ClinVar variation 1919487 (VCV001919487.5), dbSNP rs1489401308, ClinGen allele CA397947699.

ClinVar aggregate classification (germline): Uncertain significance (1 of 4 stars; one submission).

Conditions:
Cone-rod dystrophy 6 (CORD6). Also called: RETINAL CONE DYSTROPHY 2; Cone dystrophy progressive. Identifiers: Orphanet 1872, MedGen C1866293, MONDO:0011143, OMIM 601777.
Leber congenital amaurosis 1 (LCA1). Also called: Congenital absence of the rods and cones; Leber's congenital tapetoretinal degeneration; Leber's congenital tapetoretinal dysplasia; RETINAL BLINDNESS, CONGENITAL; AMAUROSIS CONGENITA OF LEBER I. Identifiers: Orphanet 65, MedGen C2931258, MONDO:0008764, OMIM 204000.

Allele frequency attached by ClinVar (database versions not stated): gnomAD exomes below 0.00001; TOPMed below 0.00001; gnomAD 0.00001.
gnomAD v4.1: 3 of 1,602,116 alleles (0.00019%); highest among the groups gnomAD compares: African/African-American, 0.0013%; no homozygotes.

Submission:

Labcorp Genetics (formerly Invitae), Labcorp
Classification: Uncertain significance for Leber congenital amaurosis 1; Cone-rod dystrophy 6. Last evaluated: 2022-09-07. Review status: criteria provided, single submitter. Criteria: Invitae Variant Classification Sherloc (09022015). Collection method: clinical testing. Allele origin: germline.
Comment: In summary, the available evidence is currently insufficient to determine the role of this variant in disease. Therefore, it has been classified as a Variant of Uncertain Significance. Algorithms developed to predict the effect of sequence changes on RNA splicing suggest that this variant may create or strengthen a splice site. Algorithms developed to predict the effect of missense changes on protein structure and function output the following: SIFT: "Tolerated"; PolyPhen-2: "Probably Damaging"; Align-GVGD: "Class C0". The valine amino acid residue is found in multiple mammalian species, which suggests that this missense change does not adversely affect protein function. This variant has not been reported in the literature in individuals affected with GUCY2D-related conditions. This variant is present in population databases (no rsID available, gnomAD 0.008%). This sequence change replaces alanine, which is neutral and non-polar, with valine, which is neutral and non-polar, at codon 358 of the GUCY2D protein (p.Ala358Val).